The following is an entry in ClinVar:

ClinVar aggregate classification (germline): Benign/Likely benign. Review status: criteria provided, multiple submitters, no conflicts (2 of 4 stars). 3 submissions from 3 submitters: Benign (2); Likely benign (1). Last evaluated 2018-06-19.

Conditions:
Long QT syndrome 12 (LQT12). Identifiers: Orphanet 101016, Orphanet 768, MedGen C2751830, MONDO:0013062, OMIM 612955.

Allele frequency attached by ClinVar (database versions not stated): 1000 Genomes Project 0.12360; gnomAD exomes 0.01706; TOPMed 0.11754; gnomAD 0.08518; 1000 Genomes Project 30x 0.13117.

Submissions (3):

GeneDx
Classification: Benign. Last evaluated: 2018-06-19. Review status: criteria provided, single submitter. Criteria: GeneDx Variant Classification (06012015). Collection method: clinical testing. Allele origin: germline. Affected: yes.
Comment: This variant is considered likely benign or benign based on one or more of the following criteria: it is a conservative change, it occurs at a poorly conserved position in the protein, it is predicted to be benign by multiple in silico algorithms, and/or has population frequency not consistent with disease.

Illumina Laboratory Services, Illumina
Classification: Benign for Long QT syndrome 12. Last evaluated: 2018-01-13. Review status: criteria provided, single submitter. Criteria: ICSL Variant Classification Criteria 13 December 2019. Collection method: clinical testing. Allele origin: germline.
Comment: This variant was observed in the ICSL laboratory as part of a predisposition screen in an ostensibly healthy population. It had not been previously curated by ICSL or reported in the Human Gene Mutation Database (HGMD: prior to June 1st, 2018), and was therefore a candidate for classification through an automated scoring system. Utilizing variant allele frequency, disease prevalence and penetrance estimates, and inheritance mode, an automated score was calculated to assess if this variant is too frequent to cause the disease. Based on the score and internal cut-off values, a variant classified as benign is not then subjected to further curation. The score for this variant resulted in a classification of benign for this disease.

Breakthrough Genomics
Classification: Likely benign. Review status: criteria provided, single submitter. Criteria: ACMG Guidelines, 2015. Collection method: not provided. Allele origin: germline. Inheritance: Autosomal dominant inheritance. Affected: yes.

NM_003098.2(SNTA1):c.-255G>C

Genes: SNTA1 (syntrophin alpha 1; minus strand), LOC130065680 (ATAC-STARR-seq lymphoblastoid silent region 12812; plus strand). Cytogenetic location: 20q11.21.
Variant type: single nucleotide variant.
Coding change: c.-255G>C on transcript NM_003098.2; 255 bases upstream of the start codon, G replaced by C.
Genome position (GRCh38, 1-based): chr20:33,443,875, C>G on the plus strand (G>C on the coding strand, the complement: SNTA1 is on the minus strand). VCF-style: chr20-33443875-C-G. GRCh37 (hg19) VCF-style: chr20-32031681-C-G.
Identifiers: ClinVar variation 338227 (VCV000338227.10), dbSNP rs57684257, ClinGen allele CA10653087.